The following is an entry in ClinVar:

NM_014915.3(ANKRD26):c.1756A>G (p.Lys586Glu)

Gene: ANKRD26 (ankyrin repeat domain 26; minus strand). Cytogenetic location: 10p12.1.
Variant type: single nucleotide variant.
Coding change: c.1756A>G on transcript NM_014915.3 (MANE Select); coding-DNA position 1756, A replaced by G.
Protein change: p.Lys586Glu; replaces lysine 586 with glutamic acid.
Molecular consequence: missense variant.
Genome position (GRCh38, 1-based): chr10:27,048,859, T>C on the plus strand (A>G on the coding strand, the complement: ANKRD26 is on the minus strand). VCF-style: chr10-27048859-T-C. GRCh37 (hg19) VCF-style: chr10-27337788-T-C.
Other names: c.1756A>G, p.Lys586Glu (NM_001256053.2); short protein forms K586E.
Identifiers: ClinVar variation 2577902 (VCV002577902.6), dbSNP rs377530499, ClinGen allele CA5448420.

ClinVar aggregate classification (germline): Uncertain significance. Review status: criteria provided, multiple submitters, no conflicts (2 of 4 stars). 3 submissions from 3 submitters: Uncertain significance (3). Last evaluated 2025-08-09.

Conditions:
Inborn genetic diseases. Identifiers: MedGen C0950123, MeSH D030342.
Thrombocytopenia 2 (THC2). Also called: ANKRD26-Related Thrombocytopenia. Identifiers: Orphanet 268322, MedGen C1861185, MONDO:0008555, OMIM 188000.

Allele frequency attached by ClinVar (database versions not stated): gnomAD exomes below 0.00001; ExAC 0.00001; TOPMed 0.00005; gnomAD 0.00006; ESP Exome Variant Server 0.00008; 1000 Genomes Project 30x 0.00016; 1000 Genomes Project 0.00020.
gnomAD v4.1: 12 of 1,613,300 alleles (0.00074%); highest among the groups gnomAD compares: African/African-American, 0.016%; no homozygotes.

Submissions (3):

Labcorp Genetics (formerly Invitae), Labcorp
Classification: Uncertain significance. Last evaluated: 2025-08-09. Review status: criteria provided, single submitter. Criteria: Invitae Variant Classification Sherloc (09022015). Collection method: clinical testing. Allele origin: germline.
Comment: This sequence change replaces lysine, which is basic and polar, with glutamic acid, which is acidic and polar, at codon 586 of the ANKRD26 protein (p.Lys586Glu). This variant is present in population databases (rs377530499, gnomAD 0.03%). This variant has not been reported in the literature in individuals affected with ANKRD26-related conditions. ClinVar contains an entry for this variant (Variation ID: 2577902). An algorithm developed to predict the effect of missense changes on protein structure and function outputs the following: PolyPhen-2: "Benign". The glutamic acid amino acid residue is found in multiple mammalian species, which suggests that this missense change does not adversely affect protein function. In summary, the available evidence is currently insufficient to determine the role of this variant in disease. Therefore, it has been classified as a Variant of Uncertain Significance.

Ambry Genetics
Classification: Uncertain significance for Inborn genetic diseases. Last evaluated: 2025-05-15. Review status: criteria provided, single submitter. Criteria: Ambry Variant Classification Scheme 2023. Collection method: clinical testing. Allele origin: germline.

St. Jude Molecular Pathology, St. Jude Children's Research Hospital
Classification: Uncertain significance for Thrombocytopenia 2. Last evaluated: 2023-07-11. Review status: criteria provided, single submitter. Criteria: St. Jude Assertion Criteria 2020. Collection method: clinical testing. Allele origin: germline.
Comment: The ANKRD26 c.1756A>G (p.Lys586Glu) missense change has a maximum subpopulation frequency of 0.033% in gnomAD v2.1.1. This variant is not located in the 5' UTR. The in silico tool REVEL predicts a benign effect on protein function, but to our knowledge this prediction has not been confirmed by functional studies. To our knowledge, this variant has not been reported in individuals with ANKRD26-associated thrombocytopenia. In summary, the evidence currently available is insufficient to determine the clinical significance of this variant. It has therefore been classified as of uncertain significance.